The following is an entry in ClinVar:

ClinVar aggregate classification (germline): Conflicting classifications of pathogenicity. Review status: criteria provided, conflicting classifications (1 of 4 stars). 7 submissions from 7 submitters: Uncertain significance (1); Likely benign (5). 1 of the submissions does not count toward it. Last evaluated 2026-02-03.

Conditions:
Dilated cardiomyopathy 1G (CMD1G). Identifiers: Orphanet 154, MedGen C1858763, MONDO:0011400, OMIM 604145.
Autosomal recessive limb-girdle muscular dystrophy type 2J (LGMDR10). Also called: Limb-girdle muscular dystrophy, type 2J; MUSCULAR DYSTROPHY, LIMB-GIRDLE, AUTOSOMAL RECESSIVE 10. Identifiers: Orphanet 140922, MedGen C1837342, MONDO:0012127, OMIM 608807.

Allele frequency attached by ClinVar (database versions not stated): ESP Exome Variant Server 0.00017; TOPMed 0.00055; gnomAD 0.00072 and 0.00092; gnomAD exomes 0.00083 and 0.00121; ExAC 0.00114; 1000 Genomes Project 30x 0.00219; 1000 Genomes Project 0.00260.
gnomAD v4.1: 1,367 of 1,609,202 alleles (0.085%); highest among the groups gnomAD compares: South Asian, 0.41%; 10 homozygotes.

Submissions (7):

Labcorp Genetics (formerly Invitae), Labcorp
Classification: Likely benign for Dilated cardiomyopathy 1G; Autosomal recessive limb-girdle muscular dystrophy type 2J. Last evaluated: 2026-02-03. Review status: criteria provided, single submitter. Criteria: Invitae Variant Classification Sherloc (09022015). Collection method: clinical testing. Allele origin: germline.

CeGaT Center for Human Genetics Tuebingen
Classification: Likely benign. Last evaluated: 2025-11-01. Review status: criteria provided, single submitter. Criteria: CeGaT Center For Human Genetics Tuebingen Variant Classification Criteria Version 2. Collection method: clinical testing. Allele origin: germline. Affected: yes. Observed: 18 variant alleles.
Comment: TTN: BS2

Molecular Diagnostic Laboratory for Inherited Cardiovascular Disease, Montreal Heart Institute
Classification: Likely benign. Last evaluated: 2025-04-09. Review status: criteria provided, single submitter. Criteria: ACMG Guidelines, 2015. Collection method: clinical testing. Allele origin: germline. Affected: no.

Blueprint Genetics
Classification: Likely benign. Last evaluated: 2024-11-13. Review status: criteria provided, single submitter. Criteria: ACMG Guidelines, 2015. Collection method: clinical testing. Allele origin: germline.

ARUP Laboratories, Molecular Genetics and Genomics, ARUP Laboratories
Classification: Likely benign. Last evaluated: 2024-03-20. Review status: criteria provided, single submitter. Criteria: ARUP Molecular Germline Variant Investigation Process 2024. Collection method: clinical testing. Allele origin: germline.

Genomic Diagnostic Laboratory, Division of Genomic Diagnostics, Children's Hospital of Philadelphia
Classification: Uncertain significance. Last evaluated: 2015-09-18. Review status: criteria provided, single submitter. Criteria: DGD Variant Analysis Guidelines. Collection method: clinical testing. Allele origin: unknown.

Department of Pathology and Laboratory Medicine, Sinai Health System
Classification: Likely benign. Review status: no assertion criteria provided. Collection method: clinical testing. Allele origin: unknown. Affected: yes. Study: The Canadian Open Genetics Repository (COGR). Not counted in ClinVar's aggregate classification.
Comment: The TTN p.Pro12968Ser variant was not identified in the literature but was identified in dbSNP (ID: rs192528655) and ClinVar (classified as uncertain significance by Division of Genomic Diagnostics, Children's Hospital of Philadelphia, and likely benign by Invitae and CeGaT Praxis fuer Humangenetik Tuebingen). The variant was identified in control databases in 316 of 272918 chromosomes (2 homozygous) at a frequency of 0.001158 increasing the likelihood this could be a low frequency benign variant (Genome Aggregation Database March 6, 2019, v2.1.1). The variant was observed in the following populations: Ashkenazi Jewish in 70 of 9814 chromosomes (freq: 0.007133), South Asian in 107 of 29718 chromosomes (freq: 0.003601), Other in 13 of 6870 chromosomes (freq: 0.001892), European (Finnish) in 27 of 24698 chromosomes (freq: 0.001093), European (non-Finnish) in 79 of 125250 chromosomes (freq: 0.000631), Latino in 19 of 34082 chromosomes (freq: 0.000558) and African in 1 of 23322 chromosomes (freq: 0.000043), but was not observed in the East Asian population. The p.Pro12968 residue has limited species conservation data and computational analyses (BLOSUM, MutationTaster) do not suggest a high likelihood of impact to the protein; this information is not predictive enough to rule out pathogenicity. The variant occurs outside of the splicing consensus sequence and in silico or computational prediction software programs (SpliceSiteFinder, MaxEntScan, NNSPLICE, GeneSplicer) do not predict a difference in splicing. In summary, based on the above information the clinical significance of this variant cannot be determined with certainty at this time although we would lean towards a more benign role for this variant. This variant is classified as likely benign.

NM_001267550.2(TTN):c.38902C>T (p.Pro12968Ser)

Gene: TTN (titin; minus strand). Cytogenetic location: 2q31.2.
Variant type: single nucleotide variant.
Coding change: c.38902C>T on transcript NM_001267550.2 (MANE Select); coding-DNA position 38902, C replaced by T.
Protein change: p.Pro12968Ser; replaces proline 12968 with serine.
Molecular consequence: missense variant. On other transcripts: intron variant (5).
Genome position (GRCh38, 1-based): chr2:178,652,905, G>A on the plus strand (C>T on the coding strand, the complement: TTN is on the minus strand). VCF-style: chr2-178652905-G-A. GRCh37 (hg19) VCF-style: chr2-179517632-G-A.
Other names: c.38902C>T (LRG_391t1); c.13283-10588C>T (NM_003319.4); c.13859-10588C>T (NM_133437.4); c.13658-10588C>T (NM_133432.3); c.31742-364C>T (NM_133378.4); c.34523-364C>T (NM_001256850.1); short protein forms P12968S.
Identifiers: ClinVar variation 238765 (VCV000238765.58), dbSNP rs192528655, ClinGen allele CA1996964.